The following is an entry in ClinVar:

ClinVar aggregate classification (germline): Pathogenic (1 of 4 stars; one submission).

Conditions:
PALB2-related cancer predisposition. Identifiers: MedGen CN377761, MONDO:0700272.

Submission:

Hema, HEMA – Genetic and Molecular Diagnostic Laboratory
Classification: Pathogenic for PALB2-related cancer predisposition. Last evaluated: 2025-08-25. Review status: criteria provided, single submitter. Criteria: HEMA Variant Classification Assertion Criteria. Collection method: clinical testing. Allele origin: germline.
Comment: It is a nucleotide deletion that results in a frameshift in PALB2. PVS1: Null variant (frameshift) in a gene for which loss of function is a known disease mechanism. It is a frameshift variant that introduces a premature stop codon in exon 3/13, which is predicted to lead to nonsense-mediated decay (NMD) of the transcript. PM2_Supporting: Present at very low frequency in the gnomAD v4.1.0 database. PM5_Supporting: Variant that introduces a premature stop codon upstream of p.Tyr1183.

NM_024675.4(PALB2):c.115del (p.Gln39fs)

Gene: PALB2 (partner and localizer of BRCA2; minus strand). Cytogenetic location: 16p12.2.
Variant type: Deletion.
Coding change: c.115del on transcript NM_024675.4 (MANE Select); coding-DNA position 115, one base deleted (C; older notation c.115delC).
Protein change: p.Gln39fs; shifts the reading frame from glutamine 39.
Molecular consequence: frameshift variant. On other transcripts: 5 prime UTR variant (8), intron variant (3).
Genome position (GRCh38, 1-based): chr16:23,637,946, G deleted on the plus strand (C on the coding strand, the reverse complement: PALB2 is on the minus strand); the first of 3 consecutive G bases (chr16:23,637,946-23,637,948); deleting any one gives the same sequence. VCF-style (leftmost placement, unchanged base first): chr16-23637945-TG-T. GRCh37 (hg19) VCF-style: chr16-23649266-TG-T.
Other names: c.55del, p.Gln19fs (NM_001407296.1); c.115del, p.Gln39fs (NM_001407297.1, NM_001407298.1, NM_001407299.1 and 3 more transcripts); c.-771del (NM_001407304.1, NM_001407305.1, NM_001407306.1 and 5 more transcripts); c.48+3164del (NM_001407314.1); c.-105+3164del (NM_001407313.1, NM_001407312.1); short protein forms Q19fs, Q39fs.
Identifiers: ClinVar variation 5042627 (VCV005042627.1).
Genomic context (GRCh38, chr16:23,637,945, plus strand): 5'-GACAAACAATCTTGTTCTTCTACTGTTTTCTTAATAGAATGCTTAATCTTTTCAGCTCTT[TG>T]GGCACGCTAGAGGAGACAAAAACAGCCCCAGAAATACGTTTTCTTTAAAGTTTTATAGAG-3'